The following is an entry in ClinVar:

ClinVar aggregate classification (germline): Uncertain significance (1 of 4 stars; one submission).

Conditions:
Glutamate formiminotransferase deficiency. Also called: Formiminoglutamic aciduria; Arakawa syndrome 1. Identifiers: Orphanet 51208, MedGen C0268609, MONDO:0009240, OMIM 229100.

Allele frequency attached by ClinVar (database versions not stated): TOPMed 0.00002.
gnomAD v4.1: 11 of 1,504,712 alleles (0.00073%); highest among the groups gnomAD compares: African/African-American, 0.0044%; no homozygotes.

Submission:

Labcorp Genetics (formerly Invitae), Labcorp
Classification: Uncertain significance for Glutamate formiminotransferase deficiency. Last evaluated: 2021-09-01. Review status: criteria provided, single submitter. Criteria: Invitae Variant Classification Sherloc (09022015). Collection method: clinical testing. Allele origin: germline.
Comment: This sequence change replaces glutamic acid with aspartic acid at codon 328 of the FTCD protein (p.Glu328Asp). The glutamic acid residue is weakly conserved and there is a small physicochemical difference between glutamic acid and aspartic acid. The frequency data for this variant in the population databases is considered unreliable, as metrics indicate insufficient coverage at this position in the ExAC database. This variant has not been reported in the literature in individuals affected with FTCD-related conditions. Algorithms developed to predict the effect of missense changes on protein structure and function output the following: SIFT: "Tolerated"; PolyPhen-2: "Benign"; Align-GVGD: "Class C0". The aspartic acid amino acid residue is found in multiple mammalian species, which suggests that this missense change does not adversely affect protein function. In summary, the available evidence is currently insufficient to determine the role of this variant in disease. Therefore, it has been classified as a Variant of Uncertain Significance.

NM_206965.2(FTCD):c.984G>C (p.Glu328Asp)

Gene: FTCD (formimidoyltransferase cyclodeaminase; minus strand). Cytogenetic location: 21q22.3.
Variant type: single nucleotide variant.
Coding change: c.984G>C on transcript NM_206965.2 (MANE Select); coding-DNA position 984, G replaced by C.
Protein change: p.Glu328Asp; replaces glutamic acid 328 with aspartic acid.
Molecular consequence: missense variant.
Genome position (GRCh38, 1-based): chr21:46,145,932, C>G on the plus strand (G>C on the coding strand, the complement: FTCD is on the minus strand). VCF-style: chr21-46145932-C-G. GRCh37 (hg19) VCF-style: chr21-47565846-C-G.
Other names: c.984G>C, p.Glu328Asp (NM_001320412.2, NM_006657.3); short protein forms E328D.
Identifiers: ClinVar variation 862049 (VCV000862049.7), dbSNP rs982953507, ClinGen allele CA410513806.